The following is an entry in ClinVar:

NM_001267550.2(TTN):c.62075del (p.Pro20692fs)

Genes: TTN-AS1 (TTN antisense RNA 1; plus strand), TTN (titin; minus strand). Cytogenetic location: 2q31.2.
Variant type: Deletion.
Coding change: c.62075del on transcript NM_001267550.2 (MANE Select); coding-DNA position 62075, one base deleted (C; older notation c.62075delC).
Protein change: p.Pro20692fs; shifts the reading frame from proline 20692.
Molecular consequence: frameshift variant.
Genome position (GRCh38, 1-based): chr2:178,589,650, G deleted on the plus strand (C on the coding strand, the reverse complement: TTN is on the minus strand); the first of 2 consecutive G bases (chr2:178,589,650-178,589,651); deleting either gives the same sequence. VCF-style (leftmost placement, unchanged base first): chr2-178589649-AG-A. GRCh37 (hg19) VCF-style: chr2-179454376-AG-A.
Other names: c.57152del, p.Pro19051fs (NM_001256850.1); c.34880del, p.Pro11627fs (NM_003319.4); c.54371del, p.Pro18124fs (NM_133378.4); c.35255del, p.Pro11752fs (NM_133432.3); c.35456del, p.Pro11819fs (NM_133437.4); short protein forms P19051fs, P11819fs, P20692fs, P18124fs, P11627fs, P11752fs.
Identifiers: ClinVar variation 1480791 (VCV001480791.8), dbSNP rs2154183927, ClinGen allele CA2573133799.
Genomic context (GRCh38, chr2:178,589,649, plus strand): 5'-GGAGCCCTTAAGCCTTCTCTCAACATGATATGACAGATTTGGACTGCCACCATCATAGTC[AG>A]GCCTCCGCCACTTTAGATAGACAAATGTCTTTCCTTTATCTGCAATGTGAAGGTTTTCAG-3'

ClinVar aggregate classification (germline): Likely pathogenic (1 of 4 stars; one submission).

Conditions:
Dilated cardiomyopathy 1G (CMD1G). Identifiers: Orphanet 154, MedGen C1858763, MONDO:0011400, OMIM 604145.
Autosomal recessive limb-girdle muscular dystrophy type 2J (LGMDR10). Also called: Limb-girdle muscular dystrophy, type 2J; MUSCULAR DYSTROPHY, LIMB-GIRDLE, AUTOSOMAL RECESSIVE 10. Identifiers: Orphanet 140922, MedGen C1837342, MONDO:0012127, OMIM 608807.

Submission:

Labcorp Genetics (formerly Invitae), Labcorp
Classification: Likely pathogenic for Dilated cardiomyopathy 1G; Autosomal recessive limb-girdle muscular dystrophy type 2J. Last evaluated: 2021-01-31. Review status: criteria provided, single submitter. Criteria: Invitae Variant Classification Sherloc (09022015). Collection method: clinical testing. Allele origin: germline.
Comment: In summary, the currently available evidence indicates that the variant is pathogenic, but additional data are needed to prove that conclusively. Therefore, this variant has been classified as Likely Pathogenic. This variant is located in the A band of TTN (PMID: 25589632). Truncating variants in this region are significantly overrepresented in patients affected with dilated cardiomyopathy (PMID: 25589632). Truncating variants in this region have also been reported in individuals affected with autosomal recessive centronuclear myopathy (PMID: 23975875). This variant has not been reported in the literature in individuals with TTN-related conditions. This variant is not present in population databases (ExAC no frequency). This sequence change creates a premature translational stop signal (p.Pro20692Leufs*64) in the TTN gene. While this is not anticipated to result in nonsense mediated decay, it is expected to create a truncated TTN protein.

Literature cited by the submitters: PubMed 25589632; PubMed 23975875.